The following is an entry in ClinVar:

ClinVar aggregate classification (germline): Likely benign. Review status: criteria provided, multiple submitters, no conflicts (2 of 4 stars). 3 submissions from 3 submitters: Likely benign (2). 1 of the submissions does not count toward it. Last evaluated 2025-03-31.

Conditions:
LYST-related disorder. Also called: LYST-related condition.
Chédiak-Higashi syndrome (CHS). Also called: Chediak-Higashi Syndrome. Identifiers: Orphanet 167, MedGen C0007965, MONDO:0008963, OMIM 214500.

Allele frequency attached by ClinVar (database versions not stated): TOPMed 0.00003.
gnomAD v4.1: 14 of 1,613,418 alleles (0.00087%); highest among the groups gnomAD compares: African/African-American, 0.0013%; no homozygotes.

Submissions (3):

Labcorp Genetics (formerly Invitae), Labcorp
Classification: Likely benign for Chédiak-Higashi syndrome. Last evaluated: 2025-03-31. Review status: criteria provided, single submitter. Criteria: Invitae Variant Classification Sherloc (09022015). Collection method: clinical testing. Allele origin: germline.

Breakthrough Genomics
Classification: Likely benign. Review status: criteria provided, single submitter. Criteria: ACMG Guidelines, 2015. Collection method: not provided. Allele origin: germline. Inheritance: Autosomal recessive inheritance. Affected: yes.

PreventionGenetics, part of Exact Sciences
Classification: Likely benign for LYST-related condition. Last evaluated: 2020-06-12. Review status: no assertion criteria provided. Collection method: clinical testing. Allele origin: germline. Not counted in ClinVar's aggregate classification.
Comment: This variant is classified as likely benign based on ACMG/AMP sequence variant interpretation guidelines (Richards et al. 2015 PMID: 25741868, with internal and published modifications).

NM_000081.4(LYST):c.10965G>A (p.Ala3655=)

Gene: LYST (lysosomal trafficking regulator; minus strand). Cytogenetic location: 1q42.3.
Variant type: single nucleotide variant.
Coding change: c.10965G>A on transcript NM_000081.4 (MANE Select); coding-DNA position 10965, G replaced by A.
Protein change: p.Ala3655=; no amino-acid change (alanine 3655 retained).
Molecular consequence: synonymous variant.
Genome position (GRCh38, 1-based): chr1:235,677,164, C>T on the plus strand (G>A on the coding strand, the complement: LYST is on the minus strand). VCF-style: chr1-235677164-C-T. GRCh37 (hg19) VCF-style: chr1-235840464-C-T.
Other names: c.10965G>A, p.Ala3655= (NM_001301365.1).
Identifiers: ClinVar variation 710504 (VCV000710504.12), dbSNP rs762254542, ClinGen allele CA344921369.
Genomic context (GRCh38, chr1:235,677,164, plus strand): 5'-AGTAGCAATATCACCTGAGGTTTCACTGGCAGAGACAGCTGTGACAGGGCTTTTGTGTCC[C>T]GCCAGACTTTGTACATAGCATAACCTGAAAGAAAAAAGACATGAATTTGTATATGATCAT-3'
Protein context (NP_000072.2, residues 3645-3665): LNRLCYVQSL[Ala3655=]GHKSPVTAVS